The following is an entry in ClinVar:

NM_001367624.2(ZNF469):c.223C>T (p.Pro75Ser)

Gene: ZNF469 (zinc finger protein 469; plus strand). Cytogenetic location: 16q24.2.
Variant type: single nucleotide variant.
Coding change: c.223C>T on transcript NM_001367624.2 (MANE Select); coding-DNA position 223, C replaced by T.
Protein change: p.Pro75Ser; replaces proline 75 with serine.
Molecular consequence: missense variant.
Genome position (GRCh38, 1-based): chr16:88,427,693, C>T. VCF-style: chr16-88427693-C-T. GRCh37 (hg19) VCF-style: chr16-88494101-C-T.
Other names: short protein forms P75S.
Identifiers: ClinVar variation 4849050 (VCV004849050.1).

ClinVar aggregate classification (germline): Uncertain significance (1 of 4 stars; one submission).

Submission:

Women's Health and Genetics/Laboratory Corporation of America, LabCorp
Classification: Uncertain significance. Last evaluated: 2026-04-27. Review status: criteria provided, single submitter. Criteria: LabCorp Variant Classification Summary - May 2015. Collection method: clinical testing. Allele origin: germline.
Comment: Variant summary: ZNF469 c.223C>T (p.Pro75Ser) results in a non-conservative amino acid change in the encoded protein sequence. Algorithms developed to predict the effect of missense changes on protein structure and function are either unavailable or do not agree on the potential impact of this missense change. The frequency data for this variant in gnomAD is considered unreliable, as metrics indicate poor data quality at this position. To our knowledge, no occurrence of c.223C>T in individuals affected with ZNF469-related conditions and no experimental evidence demonstrating its impact on protein function have been reported. No submitters have cited clinical-significance assessments for this variant to ClinVar. Based on the evidence outlined above, the variant was classified as uncertain significance.